The following is an entry in ClinVar:

NM_000533.5(PLP1):c.415_418delinsAGT (p.Cys139fs)

Genes: PLP1 (proteolipid protein 1; plus strand), RAB9B (RAB9B, member RAS oncogene family; minus strand). Cytogenetic location: Xq22.2.
Variant type: Indel.
Coding change: c.415_418delinsAGT on transcript NM_000533.5 (MANE Select); coding-DNA positions 415 to 418, TGTC replaced by AGT.
Protein change: p.Cys139fs; shifts the reading frame from cysteine 139.
Molecular consequence: frameshift variant. On other transcripts: intron variant (1).
Genome position (GRCh38, 1-based): chrX:103,786,688-103,786,691, TGTC replaced by AGT. VCF-style: chrX-103786688-TGTC-AGT. GRCh37 (hg19) VCF-style: chrX-103041617-TGTC-AGT.
Other names: c.415_418delinsAGT, p.Cys139fs (NM_001128834.3); c.250_253delinsAGT, p.Cys84fs (NM_001305004.1); c.348+67_348+70delinsAGT (NM_199478.3); short protein forms C139fs, C84fs.
Identifiers: ClinVar variation 533383 (VCV000533383.5), dbSNP rs1556267287, ClinGen allele CA658799833.

ClinVar aggregate classification (germline): Pathogenic (1 of 4 stars; one submission).

Conditions:
Hereditary spastic paraplegia 2 (SPG2). Also called: SPASTIC PARAPLEGIA 2, X-LINKED; Spastic Paraplegia 2 (SPG2). Identifiers: Orphanet 99015, MedGen C0751604, MONDO:0010733, OMIM 312920.

Submission:

Labcorp Genetics (formerly Invitae), Labcorp
Classification: Pathogenic for Hereditary spastic paraplegia 2. Last evaluated: 2017-08-20. Review status: criteria provided, single submitter. Criteria: Invitae Variant Classification Sherloc (09022015). Collection method: clinical testing. Allele origin: germline.
Comment: Loss-of-function variants in PLP1 are known to be pathogenic (PMID: 18470932). For these reasons, this variant has been classified as Pathogenic. This variant has not been reported in the literature in individuals with PLP1-related disease. This variant is not present in population databases (ExAC no frequency). This sequence change creates a premature translational stop signal (p.His140Ilefs*7) in the PLP1 gene. It is expected to result in an absent or disrupted protein product.

Literature cited by the submitters: PubMed 18470932.